The following is an entry in ClinVar:

ClinVar aggregate classification (germline): Uncertain significance (1 of 4 stars; one submission).

Submission:

CeGaT Center for Human Genetics Tuebingen
Classification: Uncertain significance. Last evaluated: 2024-11-01. Review status: criteria provided, single submitter. Criteria: CeGaT Center For Human Genetics Tuebingen Variant Classification Criteria Version 2. Collection method: clinical testing. Allele origin: germline. Affected: yes. Observed: 1 variant allele.
Comment: CDH15: PM2:Supporting, BP4

NM_004933.3(CDH15):c.1454C>G (p.Pro485Arg)

Gene: CDH15 (cadherin 15; plus strand). Cytogenetic location: 16q24.3.
Variant type: single nucleotide variant.
Coding change: c.1454C>G on transcript NM_004933.3 (MANE Select); coding-DNA position 1454, C replaced by G.
Protein change: p.Pro485Arg; replaces proline 485 with arginine.
Molecular consequence: missense variant.
Genome position (GRCh38, 1-based): chr16:89,191,733, C>G. VCF-style: chr16-89191733-C-G. GRCh37 (hg19) VCF-style: chr16-89258141-C-G.
Other names: short protein forms P485R.
Identifiers: ClinVar variation 3389369 (VCV003389369.14).